The following is an entry in ClinVar:

ClinVar aggregate classification (germline): Uncertain significance (1 of 4 stars; one submission).

Submission:

GeneDx
Classification: Uncertain significance. Last evaluated: 2024-06-26. Review status: criteria provided, single submitter. Criteria: GeneDx Variant Classification Process June 2021. Collection method: clinical testing. Allele origin: germline. Affected: yes.
Comment: Not observed at significant frequency in large population cohorts (gnomAD); In silico analysis supports that this missense variant has a deleterious effect on protein structure/function; Has not been previously published as pathogenic or benign to our knowledge

NM_207037.2(TCF12):c.919T>C (p.Tyr307His)

Gene: TCF12 (transcription factor 12; plus strand). Cytogenetic location: 15q21.3.
Variant type: single nucleotide variant.
Coding change: c.919T>C on transcript NM_207037.2 (MANE Select); coding-DNA position 919, T replaced by C.
Protein change: p.Tyr307His; replaces tyrosine 307 with histidine.
Molecular consequence: missense variant.
Genome position (GRCh38, 1-based): chr15:57,232,805, T>C. VCF-style: chr15-57232805-T-C. GRCh37 (hg19) VCF-style: chr15-57525003-T-C.
Other names: c.409T>C, p.Tyr137His (NM_001306219.3, NM_207040.2); c.211T>C, p.Tyr71His (NM_001306220.3); c.919T>C, p.Tyr307His (NM_001322151.2, NM_001322152.2, NM_001322157.3 and 7 more transcripts); c.262T>C, p.Tyr88His (NM_001322154.2); c.745T>C, p.Tyr249His (NM_001322156.2, NM_001322158.2); c.955T>C, p.Tyr319His (NM_001322164.2); short protein forms Y137H, Y249H, Y307H, Y319H, Y71H, Y88H.
Identifiers: ClinVar variation 3392599 (VCV003392599.1).
Genomic context (GRCh38, chr15:57,232,805, plus strand): 5'-ATAAACACGAGTCTTCCACCAATGTCCAGCTTTCATCGCGGCAGTACCAGCAGTTCACCT[T>C]ACGTTGCTGCCTCACACACTCCTCCCATCAATGGATCAGACAGCATTCTAGGTGAGCTTT-3'
Protein context (NP_996920.1, residues 297-317): FHRGSTSSSP[Tyr307His]VAASHTPPIN